The following is an entry in ClinVar:

ClinVar aggregate classification (germline): Uncertain significance. Review status: criteria provided, multiple submitters, no conflicts (2 of 4 stars). 2 submissions from 2 submitters: Uncertain significance (2). Last evaluated 2020-12-03.

Conditions:
Birt-Hogg-Dube syndrome. Also called: Birt Hogg Dubé syndrome. Identifiers: Orphanet 122, MedGen C0346010, MONDO:0800444.

Submissions (2):

GeneDx
Classification: Uncertain significance. Last evaluated: 2020-12-03. Review status: criteria provided, single submitter. Criteria: GeneDx Variant Classification Process June 2021. Collection method: clinical testing. Allele origin: germline. Affected: yes.
Comment: Not observed in large population cohorts (Lek 2016); In silico analysis supports that this missense variant does not alter protein structure/function; Has not been previously published as pathogenic or benign to our knowledge

Labcorp Genetics (formerly Invitae), Labcorp
Classification: Uncertain significance for Birt-Hogg-Dube syndrome. Last evaluated: 2019-11-05. Review status: criteria provided, single submitter. Criteria: Invitae Variant Classification Sherloc (09022015). Collection method: clinical testing. Allele origin: germline.
Comment: In summary, the available evidence is currently insufficient to determine the role of this variant in disease. Therefore, it has been classified as a Variant of Uncertain Significance. Algorithms developed to predict the effect of missense changes on protein structure and function are either unavailable or do not agree on the potential impact of this missense change (SIFT: "Deleterious"; PolyPhen-2: "Probably Damaging"; Align-GVGD: "Class C0"). This sequence change replaces threonine with proline at codon 18 of the FLCN protein (p.Thr18Pro). The threonine residue is moderately conserved and there is a small physicochemical difference between threonine and proline. This variant is not present in population databases (ExAC no frequency). This variant has not been reported in the literature in individuals with FLCN-related conditions.

NM_144997.7(FLCN):c.52A>C (p.Thr18Pro)

Gene: FLCN (folliculin; minus strand). Cytogenetic location: 17p11.2.
Variant type: single nucleotide variant.
Coding change: c.52A>C on transcript NM_144997.7 (MANE Select); coding-DNA position 52, A replaced by C.
Protein change: p.Thr18Pro; replaces threonine 18 with proline.
Molecular consequence: missense variant.
Genome position (GRCh38, 1-based): chr17:17,228,086, T>G on the plus strand (A>C on the coding strand, the complement: FLCN is on the minus strand). VCF-style: chr17-17228086-T-G. GRCh37 (hg19) VCF-style: chr17-17131400-T-G.
Other names: c.52A>C, p.Thr18Pro (NM_001353229.2, NM_001353230.2, NM_001353231.2 and 1 more transcripts); short protein forms T18P.
Identifiers: ClinVar variation 950212 (VCV000950212.8), dbSNP rs761993256, ClinGen allele CA398535428.